The following is an entry in ClinVar:

NM_000176.3(NR3C1):c.266A>G (p.Tyr89Cys)

Genes: NR3C1 (nuclear receptor subfamily 3 group C member 1; minus strand), LOC129994918 (ATAC-STARR-seq lymphoblastoid active region 23342; plus strand). Cytogenetic location: 5q31.3.
Variant type: single nucleotide variant.
Coding change: c.266A>G on transcript NM_000176.3 (MANE Select); coding-DNA position 266, A replaced by G.
Protein change: p.Tyr89Cys; replaces tyrosine 89 with cysteine.
Molecular consequence: missense variant. On other transcripts: 5 prime UTR variant (5).
Genome position (GRCh38, 1-based): chr5:143,400,574, T>C on the plus strand (A>G on the coding strand, the complement: NR3C1 is on the minus strand). VCF-style: chr5-143400574-T-C. GRCh37 (hg19) VCF-style: chr5-142780139-T-C.
Other names: c.-2A>G (NM_001204260.1, NM_001204260.2); c.266A>G, p.Tyr89Cys (NM_001018074.1, NM_001018075.1, NM_001018076.2 and 10 more transcripts); c.188A>G, p.Tyr63Cys (NM_001204258.2); c.11A>G, p.Tyr4Cys (NM_001204259.2); c.-26A>G (NM_001204261.2); c.-680A>G (NM_001204262.2); c.-725A>G (NM_001204263.2); c.-740A>G (NM_001204264.2); short protein forms Y63C, Y4C, Y89C.
Identifiers: ClinVar variation 2901555 (VCV002901555.6), dbSNP rs200468789, ClinGen allele CA3487103.

ClinVar aggregate classification (germline): Conflicting classifications of pathogenicity. Review status: criteria provided, conflicting classifications (1 of 4 stars). 4 submissions from 4 submitters: Uncertain significance (2); Likely benign (1). 1 of the submissions does not count toward it. Last evaluated 2025-10-17.

Conditions:
Glucocorticoid resistance. Also called: Glucocorticoid resistance, generalized; Cortisol resistance from glucocorticoid receptor defect; Gcr deficiency; Gccr deficiency; Glucocorticoid receptor deficiency. Identifiers: Orphanet 786, MedGen C1841972, MONDO:0014421, OMIM 615962.
NR3C1-related disorder. Also called: NR3C1-related condition.
Inborn genetic diseases. Identifiers: MedGen C0950123, MeSH D030342.

Allele frequency attached by ClinVar (database versions not stated): gnomAD exomes 0.00005; ExAC 0.00006; gnomAD 0.00009; TOPMed 0.00012; 1000 Genomes Project 30x 0.00016; 1000 Genomes Project 0.00020; ESP Exome Variant Server 0.00031.
gnomAD v4.1: 93 of 1,614,250 alleles (0.0058%); highest among the groups gnomAD compares: African/African-American, 0.033%; no homozygotes.

Submissions (4):

Ambry Genetics
Classification: Uncertain significance for Inborn genetic diseases. Last evaluated: 2025-10-17. Review status: criteria provided, single submitter. Criteria: Ambry Variant Classification Scheme 2023. Collection method: clinical testing. Allele origin: germline.

Fulgent Genetics
Classification: Likely benign for Glucocorticoid resistance. Last evaluated: 2024-06-15. Review status: criteria provided, single submitter. Criteria: ACMG Guidelines, 2015. Collection method: clinical testing. Allele origin: germline.

Labcorp Genetics (formerly Invitae), Labcorp
Classification: Uncertain significance. Last evaluated: 2022-12-10. Review status: criteria provided, single submitter. Criteria: Invitae Variant Classification Sherloc (09022015). Collection method: clinical testing. Allele origin: germline.
Comment: In summary, the available evidence is currently insufficient to determine the role of this variant in disease. Therefore, it has been classified as a Variant of Uncertain Significance. Algorithms developed to predict the effect of missense changes on protein structure and function are either unavailable or do not agree on the potential impact of this missense change (SIFT: "Deleterious"; PolyPhen-2: "Probably Damaging"; Align-GVGD: "Class C0"). This variant has not been reported in the literature in individuals affected with NR3C1-related conditions. This variant is present in population databases (rs200468789, gnomAD 0.04%), and has an allele count higher than expected for a pathogenic variant. This sequence change replaces tyrosine, which is neutral and polar, with cysteine, which is neutral and slightly polar, at codon 89 of the NR3C1 protein (p.Tyr89Cys).

PreventionGenetics, part of Exact Sciences
Classification: Likely benign for NR3C1-related condition. Last evaluated: 2022-05-31. Review status: no assertion criteria provided. Collection method: clinical testing. Allele origin: germline. Not counted in ClinVar's aggregate classification.
Comment: This variant is classified as likely benign based on ACMG/AMP sequence variant interpretation guidelines (Richards et al. 2015 PMID: 25741868, with internal and published modifications).